The following is an entry in ClinVar:

NM_007294.4(BRCA1):c.2068_2082del (p.Lys690_Ser694del)

Gene: BRCA1 (BRCA1 DNA repair associated; minus strand). Cytogenetic location: 17q21.31.
Variant type: Deletion.
Coding change: c.2068_2082del on transcript NM_007294.4 (MANE Select); coding-DNA positions 2068 to 2082, 15 bases deleted (AAAAGACATGACAGC).
Protein change: p.Lys690_Ser694del.
Molecular consequence: inframe deletion. On other transcripts: inframe indel (1), intron variant (137).
Genome position (GRCh38, 1-based): chr17:43,093,449-43,093,463, GCTGTCATGTCTTTT deleted on the plus strand (AAAAGACATGACAGC on the coding strand, the reverse complement: BRCA1 is on the minus strand). VCF-style (leftmost placement, unchanged base first): chr17-43093448-CGCTGTCATGTCTTTT-C. GRCh37 (hg19) VCF-style: chr17-41245465-CGCTGTCATGTCTTTT-C.
Other names: c.1855_1869del, p.Lys619_Ser623del (NM_001407571.1, NM_001407853.1, NM_001407894.1 and 9 more transcripts); c.2068_2082del, p.Lys690_Ser694del (NM_001407581.1, NM_001407582.1, NM_001407583.1 and 30 more transcripts); c.2065_2079del, p.Lys689_Ser693del (NM_001407587.1, NM_001407590.1, NM_001407591.1 and 22 more transcripts); c.2059_2073del, p.Lys687_Ser691del (NM_001407646.1, NM_001407647.1); c.1945_1959del, p.Lys649_Ser653del (NM_001407648.1, NM_001407664.1, NM_001407665.1 and 19 more transcripts); c.1942_1956del, p.Lys648_Ser652del (NM_001407649.1, NM_001407670.1, NM_001407671.1 and 11 more transcripts); c.1990_2004del, p.Lys664_Ser668del (NM_001407653.1, NM_001407654.1, NM_001407655.1 and 4 more transcripts); c.1987_2001del, p.Lys663_Ser667del (NM_001407659.1, NM_001407660.1, NM_001407661.1 and 1 more transcripts); and 41 more.
Identifiers: ClinVar variation 496351 (VCV000496351.6), dbSNP rs1555590514, ClinGen allele CA658684108.

ClinVar aggregate classification (germline): Uncertain significance. Review status: criteria provided, multiple submitters, no conflicts (2 of 4 stars). 3 submissions from 3 submitters: Uncertain significance (3). Last evaluated 2021-11-24.

Conditions:
Hereditary cancer-predisposing syndrome. Also called: Hereditary Cancer Syndrome; Neoplastic Syndromes, Hereditary; Tumor predisposition; Hereditary neoplastic syndrome. Identifiers: Orphanet 140162, MedGen C0027672, MeSH D009386, MONDO:0015356.

Submissions (3):

Ambry Genetics
Classification: Uncertain significance for Hereditary cancer-predisposing syndrome. Last evaluated: 2021-11-24. Review status: criteria provided, single submitter. Criteria: Ambry Variant Classification Scheme 2023. Collection method: clinical testing. Allele origin: germline.
Comment: The c.2068_2082del15 variant (also known as p.K690_S694del) is located in coding exon 9 of the BRCA1 gene. This variant results from an in-frame AAAAGACATGACAGC deletion at nucleotide positions 2068 to 2082, resulting in the in-frame deletion of 5 amino acids at codons 690-694. This region is non-repetitive and poorly conserved in available vertebrate species. In addition, this alteration is predicted to be deleterious by in silico analysis (Choi Y et al. PLoS ONE. 2012; 7(10):e46688). Since supporting evidence is limited at this time, the clinical significance of this alteration remains unclear.

Color Diagnostics, LLC DBA Color Health
Classification: Uncertain significance for Hereditary cancer-predisposing syndrome. Last evaluated: 2020-05-11. Review status: criteria provided, single submitter. Criteria: ACMG Guidelines, 2015. Collection method: clinical testing. Allele origin: germline.
Comment: This variant causes an in-frame deletion of 5 amino acids of the BRCA1 protein. To our knowledge, functional studies have not been reported for this variant. This variant has not been reported in individuals affected with hereditary cancer in the literature. This variant has not been identified in the general population by the Genome Aggregation Database (gnomAD). The available evidence is insufficient to determine the role of this variant in disease conclusively. Therefore, this variant is classified as a Variant of Uncertain Significance.

Women's Health and Genetics/Laboratory Corporation of America, LabCorp
Classification: Uncertain significance. Last evaluated: 2017-01-02. Review status: criteria provided, single submitter. Criteria: LabCorp Variant Classification Summary - May 2015. Collection method: clinical testing. Allele origin: germline.
Comment: Variant summary: The BRCA1 c.2068_2082delAAAAGACATGACAGC (p.Lys690_Ser694del) variant leads to in-frame deletion of five amino acid residues in a non-repetitive region. This variant is absent in 121264 control chromosomes from ExAC. The variant of interest has not, to our knowledge, been reported in affected individuals via publications and/or reputable databases/clinical diagnostic laboratories. A study Chen_ J Biol Chem_2008 (PMID: 18171670) describes that BRCA1 forms a complex with CtIP and MRN (Mre11/Rad50/Nbs1) in a cell cycle-dependent manner. The study suggests that the complex formation of BRCA1 CtIP MRN is important for facilitating DSB resection to generate single-stranded DNA that is needed for HR-mediated DSB repair. They discuss that mutation of two conserved lysine residues (Lys686 and Lys690) to alanine residues completely abolishes the interaction of Nbs1 with Mre11/Rad50. In addition, another study Nelson_ Mol Cell Endocrinol_2010 (PMID: 20085797) show that AKT activation promotes the expression of BRCA1 in response to estrogen and IGF-1 receptor signaling. Further, authors have identified a novel AKT phosphorylation site in BRCA1 at S694 which is responsive to activation of these signaling pathways. Thus deletion of Lys690 to Ser694 due to this variant is expected to be deleterious. Taken together, this variant is classified as VUS-possibly pathogenic.